The following is an entry in ClinVar:

NM_001351132.2(PEX5):c.1462C>G (p.Pro488Ala)

Gene: PEX5 (peroxisomal biogenesis factor 5; plus strand). Cytogenetic location: 12p13.31.
Variant type: single nucleotide variant.
Coding change: c.1462C>G on transcript NM_001351132.2 (MANE Select); coding-DNA position 1462, C replaced by G.
Protein change: p.Pro488Ala; replaces proline 488 with alanine.
Molecular consequence: missense variant.
Genome position (GRCh38, 1-based): chr12:7,209,072, C>G. VCF-style: chr12-7209072-C-G. GRCh37 (hg19) VCF-style: chr12-7361668-C-G.
Other names: c.1438C>G, p.Pro480Ala (NM_000319.5); c.1507C>G, p.Pro503Ala (NM_001131023.2); c.1351C>G, p.Pro451Ala (NM_001131024.2, NM_001351124.3, NM_001351126.2 and 7 more transcripts); c.1462C>G, p.Pro488Ala (NM_001131025.2, NM_001131026.2, NM_001300789.3 and 4 more transcripts); c.1396C>G, p.Pro466Ala (NM_001351135.3, NM_001351138.2); c.1453C>G, p.Pro485Ala (NM_001351136.2); c.1327C>G, p.Pro443Ala (NM_001351139.2, NM_001351140.2, NM_001374649.2); c.1462C>G (NM_001131025.1); short protein forms P480A, P503A, P485A, P443A, P451A, P466A, P488A.
Identifiers: ClinVar variation 1900914 (VCV001900914.6), dbSNP rs931591428, ClinGen allele CA232476502.

ClinVar aggregate classification (germline): Uncertain significance. Review status: criteria provided, single submitter (1 of 4 stars). 2 submissions from 2 submitters: Uncertain significance (1). 1 of the submissions does not count toward it. Last evaluated 2023-07-17.

Conditions:
PEX5-related disorder. Also called: PEX5-Related Disorders; PEX5-related condition.
Peroxisome biogenesis disorder 2B (PBD2B). Identifiers: Orphanet 44, MedGen C3550234, MONDO:0008736, OMIM 202370.

gnomAD v4.1: 5 of 1,613,994 alleles (0.00031%); highest among the groups gnomAD compares: African/African-American, 0.0013%; no homozygotes.

Submissions (2):

Labcorp Genetics (formerly Invitae), Labcorp
Classification: Uncertain significance for Peroxisome biogenesis disorder 2B. Last evaluated: 2023-07-17. Review status: criteria provided, single submitter. Criteria: Invitae Variant Classification Sherloc (09022015). Collection method: clinical testing. Allele origin: germline.
Comment: In summary, the available evidence is currently insufficient to determine the role of this variant in disease. Therefore, it has been classified as a Variant of Uncertain Significance. Advanced modeling of protein sequence and biophysical properties (such as structural, functional, and spatial information, amino acid conservation, physicochemical variation, residue mobility, and thermodynamic stability) performed at Invitae indicates that this missense variant is not expected to disrupt PEX5 protein function. ClinVar contains an entry for this variant (Variation ID: 1900914). This variant has not been reported in the literature in individuals affected with PEX5-related conditions. This variant is not present in population databases (gnomAD no frequency). This sequence change replaces proline, which is neutral and non-polar, with alanine, which is neutral and non-polar, at codon 488 of the PEX5 protein (p.Pro488Ala).

PreventionGenetics, part of Exact Sciences
Classification: Uncertain significance for PEX5-related condition. Last evaluated: 2024-07-17. Review status: no assertion criteria provided. Collection method: clinical testing. Allele origin: germline. Not counted in ClinVar's aggregate classification.
Comment: The PEX5 c.1462C>G variant is predicted to result in the amino acid substitution p.Pro488Ala. To our knowledge, this variant has not been reported in the literature or in the large population database gnomAD, indicating this variant is rare. At this time, the clinical significance of this variant is uncertain due to the absence of conclusive functional and genetic evidence.